The following is an entry in ClinVar:

ClinVar aggregate classification (germline): Pathogenic/Likely pathogenic. Review status: criteria provided, multiple submitters, no conflicts (2 of 4 stars). 3 submissions from 3 submitters: Pathogenic (2); Likely pathogenic (1). Last evaluated 2026-05-22.

Conditions:
Methylmalonic acidemia (MMA). Also called: Isolated Methylmalonic Acidemia. Identifiers: MedGen C0268583, MeSH C537358, MONDO:0002012, HP:0002912.
Methylmalonic aciduria due to methylmalonyl-CoA mutase deficiency (MAMM). Also called: Methylmalonic aciduria, mut type. Identifiers: Orphanet 27, MedGen C1855114, MONDO:0009612, OMIM 251000.
Methylmalonic aciduria due to complete methylmalonyl-CoA mutase deficiency.

Submissions (3):

Myriad Genetics, Inc.
Classification: Likely pathogenic for Methylmalonic aciduria due to methylmalonyl-CoA mutase deficiency. Last evaluated: 2026-05-22. Review status: criteria provided, single submitter. Criteria: Myriad Autosomal Dominant, Autosomal Recessive and X-Linked Classification Criteria (2023). Collection method: clinical testing. Allele origin: unknown.
Comment: NM_000255.3(MMUT):c.433G>A(G145S) is a missense variant classified as likely pathogenic in the context of methylmalonic acidemia, MMUT-related. G145S has been observed in cases with relevant disease (PMID: 16281286, 26454439, 35361390, 37316190, 38863445, 39075538). Relevant functional assessments of this variant are not available in the literature. G145S has not been observed in referenced population frequency databases. In summary, NM_000255.3(MMUT):c.433G>A(G145S) is a missense variant that has been observed more frequently in cases with the relevant disease than in healthy populations. Please note: this variant was assessed in the context of healthy population screening.

Natera, Inc.
Classification: Pathogenic for Methylmalonic aciduria due to complete methylmalonyl-CoA mutase deficiency. Last evaluated: 2025-11-24. Review status: criteria provided, single submitter. Criteria: Natera Variant Classification Schema (03/2026). Collection method: clinical testing. Allele origin: germline.
Comment: The c.433G>A variant in MMUT is a missense variant predicted to cause substitution of glycine to serine at amino acid 145. This variant is rare in the general population with a frequency below the threshold expected for the associated phenotype(s). This variant has been observed in one or more individuals affected with the associated recessive disease, as either homozygous or compound heterozygous with a second variant (PMID: 16281286, 26454439, 34668645, 37316190, 38863445). Computational prediction algorithms indicate this variant is likely to affect gene or protein function. Given the available evidence, this variant is classified as Pathogenic.

Women's Health and Genetics/Laboratory Corporation of America, LabCorp
Classification: Pathogenic for Methylmalonic acidemia. Last evaluated: 2025-07-25. Review status: criteria provided, single submitter. Criteria: LabCorp Variant Classification Summary - May 2015. Collection method: clinical testing. Allele origin: germline.
Comment: Variant summary: MMUT c.433G>A (p.Gly145Ser) results in a non-conservative amino acid change in the encoded protein sequence. Algorithms developed to predict the effect of missense changes on protein structure and function all suggest that this variant is likely to be disruptive. The variant was absent in 243320 control chromosomes. c.433G>A has been observed in individual(s) affected with Methylmalonic Acidemia (example: Worgan_2006, Han_2015, Yu_2021, Hu_2022, and Ling_2024). These data indicate that the variant is likely to be associated with disease. The following publications have been ascertained in the context of this evaluation (PMID: 16281286, 34668645, 35361390, 39075538, 26454439). No submitters have cited clinical-significance assessments for this variant to ClinVar. Based on the evidence outlined above, the variant was classified as pathogenic.

Literature cited by the submitters: PubMed 16281286 (cited by 3 submitters); PubMed 26454439 (cited by 3 submitters); PubMed 35361390 (cited by Myriad Genetics, Inc. and Women's Health and Genetics/Laboratory Corporation of America, LabCorp); PubMed 37316190 (cited by Myriad Genetics, Inc. and Natera, Inc.); PubMed 38863445 (cited by Myriad Genetics, Inc. and Natera, Inc.); PubMed 39075538 (cited by Myriad Genetics, Inc. and Women's Health and Genetics/Laboratory Corporation of America, LabCorp); PubMed 34668645 (cited by Natera, Inc. and Women's Health and Genetics/Laboratory Corporation of America, LabCorp).

NM_000255.4(MMUT):c.433G>A (p.Gly145Ser)

Gene: MMUT (methylmalonyl-CoA mutase; minus strand). Cytogenetic location: 6p12.3.
Variant type: single nucleotide variant.
Coding change: c.433G>A on transcript NM_000255.4 (MANE Select); coding-DNA position 433, G replaced by A.
Protein change: p.Gly145Ser; replaces glycine 145 with serine.
Molecular consequence: missense variant.
Genome position (GRCh38, 1-based): chr6:49,458,011, C>T on the plus strand (G>A on the coding strand, the complement: MMUT is on the minus strand). VCF-style: chr6-49458011-C-T. GRCh37 (hg19) VCF-style: chr6-49425724-C-T.
Other names: c.433G>A (NM_000255.3); short protein forms G145S.
Identifiers: ClinVar variation 4526202 (VCV004526202.3).
Genomic context (GRCh38, chr6:49,458,011, plus strand): 5'-CAATAGCAACTCCAGCCATTCCAACATCACCACGAACTCGAGGGTTGTCTGAATCATAGC[C>T]ACGATGTGTCGCCAGATCAAAGGCAACTGATAATCCCTGCTGACCAGCTAAATATATAAA-3'
Protein context (NP_000246.2, residues 135-155): SVAFDLATHR[Gly145Ser]YDSDNPRVRG